The following is an entry in ClinVar:

NM_016120.4(RLIM):c.1455T>C (p.Ser485=)

Gene: RLIM (ring finger protein, LIM domain interacting; minus strand). Cytogenetic location: Xq13.2.
Variant type: single nucleotide variant.
Coding change: c.1455T>C on transcript NM_016120.4 (MANE Select); coding-DNA position 1455, T replaced by C.
Protein change: p.Ser485=; no amino-acid change (serine 485 retained).
Molecular consequence: synonymous variant.
Genome position (GRCh38, 1-based): chrX:74,591,860, A>G on the plus strand (T>C on the coding strand, the complement: RLIM is on the minus strand). VCF-style: chrX-74591860-A-G. GRCh37 (hg19) VCF-style: chrX-73811695-A-G.
Other names: c.1455T>C, p.Ser485= (NM_183353.3).
Identifiers: ClinVar variation 2579100 (VCV002579100.25), dbSNP rs374955178, ClinGen allele CA10454595.

ClinVar aggregate classification (germline): Likely benign (1 of 4 stars; one submission).

Allele frequency attached by ClinVar (database versions not stated): ExAC 0.00066.

Submission:

CeGaT Center for Human Genetics Tuebingen
Classification: Likely benign. Last evaluated: 2023-08-01. Review status: criteria provided, single submitter. Criteria: CeGaT Center For Human Genetics Tuebingen Variant Classification Criteria Version 2. Collection method: clinical testing. Allele origin: germline. Affected: yes. Observed: 2 variant alleles.
Comment: RLIM: BP4, BP7